The following is an entry in ClinVar:

NM_001042492.3(NF1):c.7870-9T>C

Gene: NF1 (neurofibromin 1; plus strand). Cytogenetic location: 17q11.2.
Variant type: single nucleotide variant.
Coding change: c.7870-9T>C on transcript NM_001042492.3 (MANE Select); 9 bases into the intron before coding-DNA position 7870, T replaced by C.
Molecular consequence: intron variant.
Genome position (GRCh38, 1-based): chr17:31,357,260, T>C. VCF-style: chr17-31357260-T-C. GRCh37 (hg19) VCF-style: chr17-29684278-T-C.
Other names: c.7807-9T>C (NM_000267.4).
Identifiers: ClinVar variation 3693292 (VCV003693292.3).
Genomic context (GRCh38, chr17:31,357,260, plus strand): 5'-CACCCAAACAGATAACAATTCAGCCACAAAGTAAAAATGTTGTGTGTTTACTTTTTTGCA[T>C]CTTGGCAGGCTACACTGGTAAAATATACCACAGATGAGTTTGATCAACGAATTCTTTATG-3'

ClinVar aggregate classification (germline): Likely benign. Review status: criteria provided, multiple submitters, no conflicts (2 of 4 stars). 2 submissions from 2 submitters: Likely benign (2). Last evaluated 2026-05-14.

Conditions:
Neurofibromatosis, type 1 (NF1). Also called: Neurofibromatosis, type I; NEUROFIBROMATOSIS, TYPE I, SOMATIC; Peripheral type neurofibromatosis; VON RECKLINGHAUSEN DISEASE. Identifiers: Orphanet 636, MedGen C0027831, MONDO:0018975, OMIM 162200. Disease mechanism: loss of function.

Submissions (2):

Myriad Genetics, Inc.
Classification: Likely benign for Neurofibromatosis, type 1. Last evaluated: 2026-05-14. Review status: criteria provided, single submitter. Criteria: Myriad Autosomal Dominant, Autosomal Recessive and X-Linked Classification Criteria (2023). Collection method: clinical testing. Allele origin: unknown.
Comment: This variant is considered likely benign. This variant is intronic and is not expected to impact mRNA splicing.

Labcorp Genetics (formerly Invitae), Labcorp
Classification: Likely benign for Neurofibromatosis, type 1. Last evaluated: 2024-02-23. Review status: criteria provided, single submitter. Criteria: Invitae Variant Classification Sherloc (09022015). Collection method: clinical testing. Allele origin: germline.